The following is an entry in ClinVar:

ClinVar aggregate classification (germline): Benign. Review status: criteria provided, multiple submitters, no conflicts (2 of 4 stars). 2 submissions from 2 submitters: Benign (2). Last evaluated 2018-01-13.

Conditions:
Erythrocytosis, familial, 4 (ECYT4). Identifiers: Orphanet 247511, MedGen C2673187, MONDO:0012729, OMIM 611783.

Allele frequency attached by ClinVar (database versions not stated): 1000 Genomes Project 0.00439; 1000 Genomes Project 30x 0.00468; TOPMed 0.00808; gnomAD 0.00564; gnomAD exomes 0.00957.
gnomAD v4.1: 1,275 of 152,728 alleles (0.83%); highest among the groups gnomAD compares: Admixed American, 3.5%; 16 homozygotes.

Submissions (2):

Illumina Laboratory Services, Illumina
Classification: Benign for Erythrocytosis, familial, 4. Last evaluated: 2018-01-13. Review status: criteria provided, single submitter. Criteria: ICSL Variant Classification Criteria 13 December 2019. Collection method: clinical testing. Allele origin: germline.
Comment: This variant was observed in the ICSL laboratory as part of a predisposition screen in an ostensibly healthy population. It had not been previously curated by ICSL or reported in the Human Gene Mutation Database (HGMD: prior to June 1st, 2018), and was therefore a candidate for classification through an automated scoring system. Utilizing variant allele frequency, disease prevalence and penetrance estimates, and inheritance mode, an automated score was calculated to assess if this variant is too frequent to cause the disease. Based on the score and internal cut-off values, a variant classified as benign is not then subjected to further curation. The score for this variant resulted in a classification of benign for this disease.

Breakthrough Genomics
Classification: Benign. Review status: criteria provided, single submitter. Criteria: ACMG Guidelines, 2015. Collection method: not provided. Allele origin: germline. Inheritance: Autosomal dominant inheritance. Affected: yes.

NM_001430.5(EPAS1):c.*1724G>A

Gene: EPAS1 (endothelial PAS domain protein 1; plus strand). Cytogenetic location: 2p21.
Variant type: single nucleotide variant.
Coding change: c.*1724G>A on transcript NM_001430.5 (MANE Select); 1724 bases downstream of the stop codon, G replaced by A.
Molecular consequence: 3 prime UTR variant.
Genome position (GRCh38, 1-based): chr2:46,386,384, G>A. VCF-style: chr2-46386384-G-A. GRCh37 (hg19) VCF-style: chr2-46613523-G-A.
Identifiers: ClinVar variation 336319 (VCV000336319.6), dbSNP rs114927662, ClinGen allele CA10613985.
Genomic context (GRCh38, chr2:46,386,384, plus strand): 5'-AAAAAATAGCTTTCAAAAGAAATTTAAGTTCTATGAGAAATTCCTTAGTCATGGTGTTGC[G>A]TAAATCATATTTTAGCTGCACGGCATTACCCCACACAGGGTGGCAGAACTTGAAGGGTTA-3'